The following is an entry in ClinVar:

NM_001854.4(COL11A1):c.2520A>G (p.Pro840=)

Gene: COL11A1 (collagen type XI alpha 1 chain; minus strand). Cytogenetic location: 1p21.1.
Variant type: single nucleotide variant.
Coding change: c.2520A>G on transcript NM_001854.4 (MANE Select); coding-DNA position 2520, A replaced by G.
Protein change: p.Pro840=; no amino-acid change (proline 840 retained).
Molecular consequence: synonymous variant. On other transcripts: non-coding transcript variant (1).
Genome position (GRCh38, 1-based): chr1:102,984,174, T>C on the plus strand (A>G on the coding strand, the complement: COL11A1 is on the minus strand). VCF-style: chr1-102984174-T-C. GRCh37 (hg19) VCF-style: chr1-103449730-T-C.
Other names: c.2403A>G, p.Pro801= (NM_001190709.2); c.2556A>G, p.Pro852= (NM_080629.3); c.2172A>G, p.Pro724= (NM_080630.4).
Identifiers: ClinVar variation 1195718 (VCV001195718.10), dbSNP rs942911563, ClinGen allele CA27704959.
Genomic context (GRCh38, chr1:102,984,174, plus strand): 5'-ACTATAAATATCAAGCTGTTTTACCTTTGGACCTTGTCTTCCTGGATATCCTGGTAATCC[T>C]GGAACTCCAAGTTTTCCCTACAGTTAAAATATATAATAATCAAAGTAATATTTTAAGTTG-3'
Protein context (NP_001845.3, residues 830-850): QAGEKGKLGV[Pro840=]GLPGYPGRQG

ClinVar aggregate classification (germline): Conflicting classifications of pathogenicity. Review status: criteria provided, conflicting classifications (1 of 4 stars). 4 submissions from 4 submitters: Uncertain significance (1); Likely benign (3). Last evaluated 2025-08-18.

Conditions:
COL11A1-related disorder. Also called: COL11A1-related disorders; COL11A1-related condition.

Allele frequency attached by ClinVar (database versions not stated): gnomAD exomes below 0.00001; gnomAD 0.00002; TOPMed 0.00003.
gnomAD v4.1: 6 of 1,599,346 alleles (0.00038%); highest among the groups gnomAD compares: Admixed American, 0.0067%; no homozygotes.

Submissions (4):

Labcorp Genetics (formerly Invitae), Labcorp
Classification: Likely benign. Last evaluated: 2025-08-18. Review status: criteria provided, single submitter. Criteria: Invitae Variant Classification Sherloc (09022015). Collection method: clinical testing. Allele origin: germline.

GeneDx
Classification: Uncertain significance. Last evaluated: 2025-07-30. Review status: criteria provided, single submitter. Criteria: GeneDx Variant Classification Process June 2021. Collection method: clinical testing. Allele origin: germline. Affected: yes.
Comment: Not observed at significant frequency in large population cohorts (gnomAD); In silico analysis suggests that this variant does not alter splicing; Has not been previously published as pathogenic or benign to our knowledge

PreventionGenetics, part of Exact Sciences
Classification: Likely benign for COL11A1-related condition. Last evaluated: 2025-07-28. Review status: criteria provided, single submitter. Criteria: ACMG Guidelines, 2015. Collection method: clinical testing. Allele origin: germline.
Comment: This variant is classified as likely benign based on ACMG/AMP sequence variant interpretation guidelines (Richards et al. 2015 PMID: 25741868, with internal and published modifications).

Blueprint Genetics
Classification: Likely benign. Last evaluated: 2020-12-09. Review status: criteria provided, single submitter. Criteria: ACMG Guidelines, 2015. Collection method: clinical testing. Allele origin: germline.